The following is an entry in ClinVar:

NM_001122630.2(CDKN1C):c.340T>C (p.Ser114Pro)

Gene: CDKN1C (cyclin dependent kinase inhibitor 1C; minus strand). Cytogenetic location: 11p15.4.
Variant type: single nucleotide variant.
Coding change: c.340T>C on transcript NM_001122630.2 (MANE Select); coding-DNA position 340, T replaced by C.
Protein change: p.Ser114Pro; replaces serine 114 with proline.
Molecular consequence: missense variant. On other transcripts: intron variant (1).
Genome position (GRCh38, 1-based): chr11:2,885,117, A>G on the plus strand (T>C on the coding strand, the complement: CDKN1C is on the minus strand). VCF-style: chr11-2885117-A-G. GRCh37 (hg19) VCF-style: chr11-2906347-A-G.
Other names: c.373T>C, p.Ser125Pro (NM_000076.2, NM_001362474.2, LRG_533t1); c.340T>C, p.Ser114Pro (NM_001122631.2); c.255+85T>C (NM_001362475.2); short protein forms S125P, S114P.
Identifiers: ClinVar variation 453998 (VCV000453998.8), dbSNP rs1319558011, ClinGen allele CA379146833.

ClinVar aggregate classification (germline): Uncertain significance (1 of 4 stars; one submission).

Conditions:
Beckwith-Wiedemann syndrome (BWS). Also called: EMG SYNDROME; Exomphalos macroglossia gigantism syndrome. Identifiers: Orphanet 116, MedGen C0004903, MONDO:0007534, OMIM 130650.

Allele frequency attached by ClinVar (database versions not stated): TOPMed 0.00001; gnomAD 0.00003.
gnomAD v4.1: 4 of 1,464,916 alleles (0.00027%); highest among the groups gnomAD compares: African/African-American, 0.0059%; no homozygotes.

Submission:

Labcorp Genetics (formerly Invitae), Labcorp
Classification: Uncertain significance for Beckwith-Wiedemann syndrome. Last evaluated: 2024-04-30. Review status: criteria provided, single submitter. Criteria: Invitae Variant Classification Sherloc (09022015). Collection method: clinical testing. Allele origin: germline.
Comment: This sequence change replaces serine, which is neutral and polar, with proline, which is neutral and non-polar, at codon 125 of the CDKN1C protein (p.Ser125Pro). This variant is not present in population databases (gnomAD no frequency). This variant has not been reported in the literature in individuals affected with CDKN1C-related conditions. ClinVar contains an entry for this variant (Variation ID: 453998). Advanced modeling of protein sequence and biophysical properties (such as structural, functional, and spatial information, amino acid conservation, physicochemical variation, residue mobility, and thermodynamic stability) performed at Invitae indicates that this missense variant is not expected to disrupt CDKN1C protein function with a negative predictive value of 80%. In summary, the available evidence is currently insufficient to determine the role of this variant in disease. Therefore, it has been classified as a Variant of Uncertain Significance.